The following is an entry in ClinVar:

ClinVar aggregate classification (germline): Uncertain significance (1 of 4 stars; one submission).

Submission:

GeneDx
Classification: Uncertain significance. Last evaluated: 2019-08-27. Review status: criteria provided, single submitter. Criteria: GeneDx Variant Classification Process June 2021. Collection method: clinical testing. Allele origin: germline. Affected: yes.
Comment: Not observed in large population cohorts (Lek et al., 2016); In silico analysis, which includes protein predictors and evolutionary conservation, supports that this variant does not alter protein structure/function; Has not been previously published as pathogenic or benign to our knowledge

NM_001111125.3(IQSEC2):c.4000T>C (p.Tyr1334His)

Gene: IQSEC2 (IQ motif and Sec7 domain ArfGEF 2; minus strand). Cytogenetic location: Xp11.22.
Variant type: single nucleotide variant.
Coding change: c.4000T>C on transcript NM_001111125.3 (MANE Select); coding-DNA position 4000, T replaced by C.
Protein change: p.Tyr1334His; replaces tyrosine 1334 with histidine.
Molecular consequence: missense variant. On other transcripts: 3 prime UTR variant (1).
Genome position (GRCh38, 1-based): chrX:53,234,686, A>G on the plus strand (T>C on the coding strand, the complement: IQSEC2 is on the minus strand). VCF-style: chrX-53234686-A-G. GRCh37 (hg19) VCF-style: chrX-53263868-A-G.
Other names: c.*485T>C (NM_015075.2); short protein forms Y1334H.
Identifiers: ClinVar variation 1308037 (VCV001308037.2), dbSNP rs2147002472, ClinGen allele CA413139869.
Genomic context (GRCh38, chrX:53,234,686, plus strand): 5'-CAAACTGAGGGTGTCCTCCAGCCCCCCGTCTGGGTGCCCTGCCTGGCCGGCCCAAGGTAT[A>G]GTGTTGGGGCCCTGGGACTGGGCCATGGGCGTGGAAGTGGCGATGTGGCCCCACAGGTGG-3'
Protein context (NP_001104595.1, residues 1324-1344): AHGPVPGPQH[Tyr1334His]TLGRPGRAPR